The following is an entry in ClinVar:

NM_006846.4(SPINK5):c.524G>A (p.Cys175Tyr)

Gene: SPINK5 (serine peptidase inhibitor Kazal type 5; plus strand). Cytogenetic location: 5q32.
Variant type: single nucleotide variant.
Coding change: c.524G>A on transcript NM_006846.4 (MANE Select); coding-DNA position 524, G replaced by A.
Protein change: p.Cys175Tyr; replaces cysteine 175 with tyrosine.
Molecular consequence: missense variant.
Genome position (GRCh38, 1-based): chr5:148,089,543, G>A. VCF-style: chr5-148089543-G-A. GRCh37 (hg19) VCF-style: chr5-147469106-G-A.
Other names: c.524G>A, p.Cys175Tyr (NM_001127698.2, NM_001127699.2); short protein forms C175Y.
Identifiers: ClinVar variation 459575 (VCV000459575.9), dbSNP rs1279742014, ClinGen allele CA361890376.
Genomic context (GRCh38, chr5:148,089,543, plus strand): 5'-CTGTTCTTCAGGATGTATGCAGTGCTTTTCGGCCCTTTGTTAGAGATGGAAGACTTGGAT[G>A]CACAAGGGAAAATGATCCTGTTCTTGGTCCTGATGGGAAGACGCATGGCAATAAGTGTGC-3'
Protein context (NP_006837.2, residues 165-185): RPFVRDGRLG[Cys175Tyr]TRENDPVLGP

ClinVar aggregate classification (germline): Uncertain significance (1 of 4 stars; one submission).

Conditions:
Ichthyosis linearis circumflexa. Identifiers: MedGen C0265962, MONDO:0043106, HP:0025810.

Allele frequency attached by ClinVar (database versions not stated): gnomAD exomes 0.00001 and below 0.00001; TOPMed 0.00001.
gnomAD v4.1: 4 of 1,612,124 alleles (0.00025%); highest among the groups gnomAD compares: Admixed American, 0.0033%; no homozygotes.

Submission:

Labcorp Genetics (formerly Invitae), Labcorp
Classification: Uncertain significance for Ichthyosis linearis circumflexa. Last evaluated: 2023-07-10. Review status: criteria provided, single submitter. Criteria: Invitae Variant Classification Sherloc (09022015). Collection method: clinical testing. Allele origin: germline.
Comment: This variant is present in population databases (no rsID available, gnomAD 0.006%). In summary, the available evidence is currently insufficient to determine the role of this variant in disease. Therefore, it has been classified as a Variant of Uncertain Significance. Advanced modeling of protein sequence and biophysical properties (such as structural, functional, and spatial information, amino acid conservation, physicochemical variation, residue mobility, and thermodynamic stability) has been performed at Invitae for this missense variant, however the output from this modeling did not meet the statistical confidence thresholds required to predict the impact of this variant on SPINK5 protein function. ClinVar contains an entry for this variant (Variation ID: 459575). This variant has not been reported in the literature in individuals affected with SPINK5-related conditions. This sequence change replaces cysteine, which is neutral and slightly polar, with tyrosine, which is neutral and polar, at codon 175 of the SPINK5 protein (p.Cys175Tyr).